The following is an entry in ClinVar:

ClinVar aggregate classification (germline): Likely pathogenic (1 of 4 stars; one submission).

Conditions:
Dilated cardiomyopathy 1G (CMD1G). Identifiers: Orphanet 154, MedGen C1858763, MONDO:0011400, OMIM 604145.
Autosomal recessive limb-girdle muscular dystrophy type 2J (LGMDR10). Also called: Limb-girdle muscular dystrophy, type 2J; MUSCULAR DYSTROPHY, LIMB-GIRDLE, AUTOSOMAL RECESSIVE 10. Identifiers: Orphanet 140922, MedGen C1837342, MONDO:0012127, OMIM 608807.

Submission:

Labcorp Genetics (formerly Invitae), Labcorp
Classification: Likely pathogenic for Dilated cardiomyopathy 1G; Autosomal recessive limb-girdle muscular dystrophy type 2J. Last evaluated: 2024-06-25. Review status: criteria provided, single submitter. Criteria: Invitae Variant Classification Sherloc (09022015). Collection method: clinical testing. Allele origin: germline.
Comment: This sequence change creates a premature translational stop signal (p.Cys35492Trpfs*4) in the TTN gene. While this is not anticipated to result in nonsense mediated decay, it is expected to create a truncated TTN protein. This variant is not present in population databases (gnomAD no frequency). This variant has not been reported in the literature in individuals affected with TTN-related conditions. Algorithms developed to predict the effect of sequence changes on RNA splicing suggest that this variant may disrupt the consensus splice site. This variant is located in the M band of TTN (PMID: 25589632). Truncating variants in this region have been previously reported in individuals affected with autosomal recessive myopathy and muscular dystrophy (PMID: 18948003, 23975875, 24395473). Truncating variants in this region have also been identified in individuals affected with autosomal dominant dilated cardiomyopathy and/or cardio-related conditions (PMID: 27869827, 32964742, Invitae internal data). In summary, the currently available evidence indicates that the variant is pathogenic, but additional data are needed to prove that conclusively. Therefore, this variant has been classified as Likely Pathogenic.

Literature cited by the submitters: PubMed 25589632; PubMed 18948003; PubMed 23975875; PubMed 24395473; PubMed 27869827; PubMed 32964742.

NM_001267550.2(TTN):c.106475_106476insGG (p.Cys35492fs)

Genes: TTN-AS1 (TTN antisense RNA 1; plus strand), TTN (titin; minus strand). Cytogenetic location: 2q31.2.
Variant type: Insertion.
Coding change: c.106475_106476insGG on transcript NM_001267550.2 (MANE Select); coding-DNA positions 106475 to 106476, GG inserted.
Protein change: p.Cys35492fs; shifts the reading frame from cysteine 35492.
Molecular consequence: frameshift variant.
Genome position: GRCh38 VCF-style: chr2-178530015-A-ACC. GRCh37 (hg19) VCF-style: chr2-179394742-A-ACC.
Other names: c.101552_101553insGG, p.Cys33851fs (NM_001256850.1); c.79280_79281insGG, p.Cys26427fs (NM_003319.4); c.98771_98772insGG, p.Cys32924fs (NM_133378.4); c.79655_79656insGG, p.Cys26552fs (NM_133432.3); c.79856_79857insGG, p.Cys26619fs (NM_133437.4); short protein forms C26427fs, C26552fs, C26619fs, C32924fs, C33851fs, C35492fs.
Identifiers: ClinVar variation 3756987 (VCV003756987.2).